The following is an entry in ClinVar:

NM_198525.3(KIF7):c.2299C>T (p.Arg767Trp)

Gene: KIF7 (kinesin family member 7; minus strand). Cytogenetic location: 15q26.1.
Variant type: single nucleotide variant.
Coding change: c.2299C>T on transcript NM_198525.3 (MANE Select); coding-DNA position 2299, C replaced by T.
Protein change: p.Arg767Trp; replaces arginine 767 with tryptophan.
Molecular consequence: missense variant.
Genome position (GRCh38, 1-based): chr15:89,642,298, G>A on the plus strand (C>T on the coding strand, the complement: KIF7 is on the minus strand). VCF-style: chr15-89642298-G-A. GRCh37 (hg19) VCF-style: chr15-90185529-G-A.
Other names: c.2299C>T (NM_198525.2); short protein forms R767W.
Identifiers: ClinVar variation 1447022 (VCV001447022.4), dbSNP rs201091656, ClinGen allele CA7728244.

ClinVar aggregate classification (germline): Uncertain significance. Review status: criteria provided, multiple submitters, no conflicts (2 of 4 stars). 2 submissions from 2 submitters: Uncertain significance (2). Last evaluated 2024-05-12.

Conditions:
Inborn genetic diseases. Identifiers: MedGen C0950123, MeSH D030342.
Acrocallosal syndrome (ACLS). Also called: HALLUX DUPLICATION, POSTAXIAL POLYDACTYLY, AND ABSENCE OF CORPUS CALLOSUM; Schinzel syndrome 1; Absence of corpus callosum with unusual facial appearance, mental deficiency, duplication of the halluces and polydactyly. Identifiers: Orphanet 36, MedGen C0796147, MONDO:0008708, OMIM 200990.

Allele frequency attached by ClinVar (database versions not stated): gnomAD 0.00001 and 0.00003; gnomAD exomes 0.00001 and 0.00002; TOPMed 0.00004; ExAC 0.00005; 1000 Genomes Project 0.00040; 1000 Genomes Project 30x 0.00047.
gnomAD v4.1: 14 of 1,609,920 alleles (0.00087%); highest among the groups gnomAD compares: East Asian, 0.016%; no homozygotes.

Submissions (2):

Ambry Genetics
Classification: Uncertain significance for Inborn genetic diseases. Last evaluated: 2024-05-12. Review status: criteria provided, single submitter. Criteria: Ambry Variant Classification Scheme 2023. Collection method: clinical testing. Allele origin: germline.

Labcorp Genetics (formerly Invitae), Labcorp
Classification: Uncertain significance for Acrocallosal syndrome. Last evaluated: 2021-11-23. Review status: criteria provided, single submitter. Criteria: Invitae Variant Classification Sherloc (09022015). Collection method: clinical testing. Allele origin: germline.
Comment: This sequence change replaces arginine, which is basic and polar, with tryptophan, which is neutral and slightly polar, at codon 767 of the KIF7 protein (p.Arg767Trp). This variant is present in population databases (rs201091656, gnomAD 0.03%). This variant has not been reported in the literature in individuals affected with KIF7-related conditions. Algorithms developed to predict the effect of missense changes on protein structure and function are either unavailable or do not agree on the potential impact of this missense change (SIFT: "Deleterious"; PolyPhen-2: "Benign"; Align-GVGD: "Class C0"). In summary, the available evidence is currently insufficient to determine the role of this variant in disease. Therefore, it has been classified as a Variant of Uncertain Significance.